The following is an entry in ClinVar:

NM_001377.3(DYNC2H1):c.9557G>A (p.Trp3186Ter)

Gene: DYNC2H1 (dynein cytoplasmic 2 heavy chain 1; plus strand). Cytogenetic location: 11q22.3.
Variant type: single nucleotide variant.
Coding change: c.9557G>A on transcript NM_001377.3 (MANE Select); coding-DNA position 9557, G replaced by A.
Protein change: p.Trp3186Ter; replaces tryptophan 3186 with a stop codon.
Molecular consequence: nonsense.
Genome position (GRCh38, 1-based): chr11:103,234,150, G>A. VCF-style: chr11-103234150-G-A. GRCh37 (hg19) VCF-style: chr11-103104879-G-A.
Other names: c.9557G>A, p.Trp3186Ter (NM_001080463.2); short protein forms W3186*.
Identifiers: ClinVar variation 5013538 (VCV005013538.1).

ClinVar aggregate classification (germline): Pathogenic (1 of 4 stars; one submission).

Conditions:
Asphyxiating thoracic dystrophy 3. Also called: Saldino-Noonan Syndrome; SHORT-RIB THORACIC DYSPLASIA 3 WITH OR WITHOUT POLYDACTYLY; POLYDACTYLY WITH NEONATAL CHONDRODYSTROPHY, TYPE I; SHORT-RIB THORACIC DYSPLASIA 3/6 WITH POLYDACTYLY, DIGENIC; Short rib polydactyly syndrome 2B. Identifiers: Orphanet 474, Orphanet 93269, Orphanet 93270, Orphanet 93271, MedGen C0036069, MONDO:0013127, OMIM 613091.

Submission:

Myriad Genetics, Inc.
Classification: Pathogenic for Asphyxiating thoracic dystrophy 3. Last evaluated: 2024-09-09. Review status: criteria provided, single submitter. Criteria: Myriad Autosomal Dominant, Autosomal Recessive and X-Linked Classification Criteria (2023). Collection method: clinical testing. Allele origin: unknown.
Comment: NM_001377.2(DYNC2H1):c.9557G>A(W3186*) is expected to be pathogenic in the context of DYNC2H1-related disorders. This variant is predicted to lead to an abnormal or absent protein product due to the creation of a premature termination codon in DYNC2H1, a gene where loss-of-function variants are known to be pathogenic. Please note: this variant was assessed in the context of healthy population screening.